The following is an entry in ClinVar:

ClinVar aggregate classification (germline): Likely pathogenic (1 of 4 stars; one submission).

Conditions:
Glycogen storage disease, type II (IOPD). Also called: POMPE DISEASE, INFANTILE-ONSET; GLYCOGEN STORAGE DISEASE II, INFANTILE-ONSET; ACID ALPHA-GLUCOSIDASE DEFICIENCY, INFANTILE-ONSET; GAA DEFICIENCY, INFANTILE-ONSET; ACID MALTASE DEFICIENCY, INFANTILE-ONSET; GLYCOGENOSIS, GENERALIZED, CARDIAC FORM. Identifiers: Orphanet 365, MedGen C0017921, MONDO:0009290, OMIM 232300.

Allele frequency attached by ClinVar (database versions not stated): gnomAD exomes 0.00001.

Submission:

Labcorp Genetics (formerly Invitae), Labcorp
Classification: Likely pathogenic for Glycogen storage disease, type II. Last evaluated: 2023-01-13. Review status: criteria provided, single submitter. Criteria: Invitae Variant Classification Sherloc (09022015). Collection method: clinical testing. Allele origin: germline.
Comment: In summary, the currently available evidence indicates that the variant is pathogenic, but additional data are needed to prove that conclusively. Therefore, this variant has been classified as Likely Pathogenic. This variant disrupts the p.Tyr928 amino acid residue in GAA. Other variant(s) that disrupt this residue have been determined to be pathogenic (PMID: 29122469, 33741225). This suggests that this residue is clinically significant, and that variants that disrupt this residue are likely to be disease-causing. Advanced modeling of protein sequence and biophysical properties (such as structural, functional, and spatial information, amino acid conservation, physicochemical variation, residue mobility, and thermodynamic stability) performed at Invitae indicates that this missense variant is not expected to disrupt GAA protein function. ClinVar contains an entry for this variant (Variation ID: 1483591). This variant has not been reported in the literature in individuals affected with GAA-related conditions. This variant is not present in population databases (gnomAD no frequency). This sequence change replaces tyrosine, which is neutral and polar, with histidine, which is basic and polar, at codon 928 of the GAA protein (p.Tyr928His).

Literature cited by the submitters: PubMed 29122469; PubMed 33741225.

NM_000152.5(GAA):c.2782T>C (p.Tyr928His)

Gene: GAA (alpha glucosidase; plus strand). Cytogenetic location: 17q25.3.
Variant type: single nucleotide variant.
Coding change: c.2782T>C on transcript NM_000152.5 (MANE Select); coding-DNA position 2782, T replaced by C.
Protein change: p.Tyr928His; replaces tyrosine 928 with histidine.
Molecular consequence: missense variant.
Genome position (GRCh38, 1-based): chr17:80,118,788, T>C. VCF-style: chr17-80118788-T-C. GRCh37 (hg19) VCF-style: chr17-78092587-T-C.
Other names: c.2782T>C, p.Tyr928His (NM_001079803.3, NM_001079804.3); short protein forms Y928H.
Identifiers: ClinVar variation 1483591 (VCV001483591.6), dbSNP rs2143934702, ClinGen allele CA401327369.
Genomic context (GRCh38, chr17:80,118,788, plus strand): 5'-GGCGTGGCCACGGCGCCCCAGCAGGTCCTCTCCAACGGTGTCCCTGTCTCCAACTTCACC[T>C]ACAGCCCCGACACCAAGGCAAGAGGGCCCAGAGTGGCACAGGGATCGCGTCCCCCAGCCG-3'
Protein context (NP_000143.2, residues 918-938): SNGVPVSNFT[Tyr928His]SPDTKVLDIC